The following is an entry in ClinVar:

NM_032806.6(POMGNT2):c.509del (p.Asp170fs)

Gene: POMGNT2 (protein O-linked mannose N-acetylglucosaminyltransferase 2 (beta 1,4-); minus strand). Cytogenetic location: 3p22.1.
Variant type: Deletion.
Coding change: c.509del on transcript NM_032806.6 (MANE Select); coding-DNA position 509, one base deleted (A; older notation c.509delA).
Protein change: p.Asp170fs; shifts the reading frame from aspartic acid 170.
Molecular consequence: frameshift variant.
Genome position (GRCh38, 1-based): chr3:43,080,923, T deleted on the plus strand (A on the coding strand, the reverse complement: POMGNT2 is on the minus strand). VCF-style (leftmost placement, unchanged base first): chr3-43080922-GT-G. GRCh37 (hg19) VCF-style: chr3-43122414-GT-G.
Other names: short protein forms D170fs.
Identifiers: ClinVar variation 1376803 (VCV001376803.6), dbSNP rs2089847365, ClinGen allele CA1047304110.

ClinVar aggregate classification (germline): Pathogenic (1 of 4 stars; one submission).

Conditions:
Muscular dystrophy-dystroglycanopathy (congenital with brain and eye anomalies), type a, 8 (MDDGA8). Also called: WALKER-WARBURG SYNDROME OR MUSCLE-EYE-BRAIN DISEASE, GTDC2-RELATED. Identifiers: Orphanet 899, MedGen C3553813, MONDO:0013904, OMIM 614830.

Allele frequency attached by ClinVar (database versions not stated): TOPMed below 0.00001; gnomAD 0.00001.

Submission:

Labcorp Genetics (formerly Invitae), Labcorp
Classification: Pathogenic for Muscular dystrophy-dystroglycanopathy (congenital with brain and eye anomalies), type a, 8. Last evaluated: 2025-10-02. Review status: criteria provided, single submitter. Criteria: Invitae Variant Classification Sherloc (09022015). Collection method: clinical testing. Allele origin: germline.
Comment: This sequence change creates a premature translational stop signal (p.Asp170Alafs*51) in the POMGNT2 gene. While this is not anticipated to result in nonsense mediated decay, it is expected to disrupt the last 411 amino acid(s) of the POMGNT2 protein. This variant is not present in population databases (gnomAD no frequency). This variant has not been reported in the literature in individuals affected with POMGNT2-related conditions. ClinVar contains an entry for this variant (Variation ID: 1376803). Experimental studies and prediction algorithms are not available or were not evaluated, and the functional significance of this variant is currently unknown. This variant disrupts a region of the POMGNT2 protein in which other variant(s) (p.Glu519*) have been determined to be pathogenic (internal data). This suggests that this is a clinically significant region of the protein, and that variants that disrupt it are likely to be disease-causing. For these reasons, this variant has been classified as Pathogenic.